The following is an entry in ClinVar:

ClinVar aggregate classification (germline): Likely benign (1 of 4 stars; one submission).

gnomAD v4.1: 8 of 1,614,046 alleles (0.0005%); highest among the groups gnomAD compares: Non-Finnish European, 0.00068%; no homozygotes.

Submission:

CeGaT Center for Human Genetics Tuebingen
Classification: Likely benign. Last evaluated: 2026-07-01. Review status: criteria provided, single submitter. Criteria: CeGaT Center For Human Genetics Tuebingen Variant Classification Criteria Version 2. Collection method: clinical testing. Allele origin: germline. Affected: yes. Observed: 1 variant allele.
Comment: HECW2: PP3, BS2

NM_001348768.2(HECW2):c.3383G>A (p.Arg1128His)

Gene: HECW2 (HECT, C2 and WW domain containing E3 ubiquitin protein ligase 2; minus strand). Cytogenetic location: 2q32.3.
Variant type: single nucleotide variant.
Coding change: c.3383G>A on transcript NM_001348768.2 (MANE Select); coding-DNA position 3383, G replaced by A.
Protein change: p.Arg1128His; replaces arginine 1128 with histidine.
Molecular consequence: missense variant.
Genome position (GRCh38, 1-based): chr2:196,257,859, C>T on the plus strand (G>A on the coding strand, the complement: HECW2 is on the minus strand). VCF-style: chr2-196257859-C-T. GRCh37 (hg19) VCF-style: chr2-197122583-C-T.
Other names: c.2315G>A, p.Arg772His (NM_001304840.3); c.3383G>A, p.Arg1128His (NM_020760.4); short protein forms R1128H, R772H.
Identifiers: ClinVar variation 5039460 (VCV005039460.1).
Genomic context (GRCh38, chr2:196,257,859, plus strand): 5'-CAAGAGTGAGTGTTACGTATGTACCTCAGCAACATAACAAGGTCTGCATCGCTTGAAAGG[C>T]GCACCAATCCTGGAGTCCCTTCAGTTCGGATAAATTGGATCTTCTCCCTAATCAAGAAAA-3'
Protein context (NP_001335697.1, residues 1118-1138): IRTEGTPGLV[Arg1128His]LSSDADLVML